The following is an entry in ClinVar:

ClinVar aggregate classification (germline): Uncertain significance (1 of 4 stars; one submission).

Conditions:
Hypertrophic cardiomyopathy. Also called: HYPERTROPHIC MYOCARDIOPATHY. Identifiers: Orphanet 217569, MedGen C0007194, MeSH D002312, MONDO:0005045, HP:0001639.
Primary dilated cardiomyopathy (DCM). Also called: Dilated Cardiomyopathy. Identifiers: Orphanet 217604, MedGen C0007193, MeSH D002311, MONDO:0005021, HP:0001644. Inheritance: Various modes of inheritance.

gnomAD v4.1: 1 of 1,614,194 alleles (0.000062%); highest among the groups gnomAD compares: Non-Finnish European, 0.000085%; no homozygotes.

Submission:

Labcorp Genetics (formerly Invitae), Labcorp
Classification: Uncertain significance for Hypertrophic cardiomyopathy; Primary dilated cardiomyopathy. Last evaluated: 2024-05-02. Review status: criteria provided, single submitter. Criteria: Invitae Variant Classification Sherloc (09022015). Collection method: clinical testing. Allele origin: germline.
Comment: This sequence change replaces alanine, which is neutral and non-polar, with threonine, which is neutral and polar, at codon 40 of the PDLIM3 protein (p.Ala40Thr). This variant is not present in population databases (gnomAD no frequency). This variant has not been reported in the literature in individuals affected with PDLIM3-related conditions. Advanced modeling of protein sequence and biophysical properties (such as structural, functional, and spatial information, amino acid conservation, physicochemical variation, residue mobility, and thermodynamic stability) performed at Invitae indicates that this missense variant is not expected to disrupt PDLIM3 protein function with a negative predictive value of 80%. In summary, the available evidence is currently insufficient to determine the role of this variant in disease. Therefore, it has been classified as a Variant of Uncertain Significance.

NM_014476.6(PDLIM3):c.118G>A (p.Ala40Thr)

Gene: PDLIM3 (PDZ and LIM domain 3; minus strand). Cytogenetic location: 4q35.1.
Variant type: single nucleotide variant.
Coding change: c.118G>A on transcript NM_014476.6 (MANE Select); coding-DNA position 118, G replaced by A.
Protein change: p.Ala40Thr; replaces alanine 40 with threonine.
Molecular consequence: missense variant. On other transcripts: non-coding transcript variant (1), intron variant (1).
Genome position (GRCh38, 1-based): chr4:185,525,147, C>T on the plus strand (G>A on the coding strand, the complement: PDLIM3 is on the minus strand). VCF-style: chr4-185525147-C-T. GRCh37 (hg19) VCF-style: chr4-186446301-C-T.
Other names: c.118G>A, p.Ala40Thr (NM_001114107.5, NM_001257962.2); c.93+10195G>A (NM_001257963.2); short protein forms A40T.
Identifiers: ClinVar variation 3758089 (VCV003758089.2).